The following is an entry in ClinVar:

ClinVar aggregate classification (germline): Uncertain significance. Review status: criteria provided, multiple submitters, no conflicts (2 of 4 stars). 2 submissions from 2 submitters: Uncertain significance (2). Last evaluated 2025-04-03.

Conditions:
Neurofibromatosis, type 2 (SWNV). Also called: BILATERAL ACOUSTIC NEUROFIBROMATOSIS; NF2-Related Schwannomatosis; SCHWANNOMATOSIS, VESTIBULAR. Identifiers: Orphanet 637, MedGen C0027832, MONDO:0007039, OMIM 101000. Disease mechanism: loss of function.
Hereditary cancer-predisposing syndrome. Also called: Neoplastic Syndromes, Hereditary; Hereditary Cancer Syndrome; Tumor predisposition; Hereditary neoplastic syndrome. Identifiers: Orphanet 140162, MedGen C0027672, MeSH D009386, MONDO:0015356.

gnomAD v4.1: 1 of 1,611,884 alleles (0.000062%); no homozygotes.

Submissions (2):

Labcorp Genetics (formerly Invitae), Labcorp
Classification: Uncertain significance for Neurofibromatosis, type 2. Last evaluated: 2025-04-03. Review status: criteria provided, single submitter. Criteria: Invitae Variant Classification Sherloc (09022015). Collection method: clinical testing. Allele origin: germline.
Comment: This sequence change replaces glutamic acid, which is acidic and polar, with glycine, which is neutral and non-polar, at codon 434 of the NF2 protein (p.Glu434Gly). This variant is not present in population databases (gnomAD no frequency). This variant has not been reported in the literature in individuals affected with NF2-related conditions. ClinVar contains an entry for this variant (Variation ID: 646364). Invitae Evidence Modeling of protein sequence and biophysical properties (such as structural, functional, and spatial information, amino acid conservation, physicochemical variation, residue mobility, and thermodynamic stability) has been performed for this missense variant. However, the output from this modeling did not meet the statistical confidence thresholds required to predict the impact of this variant on NF2 protein function. In summary, the available evidence is currently insufficient to determine the role of this variant in disease. Therefore, it has been classified as a Variant of Uncertain Significance.

Ambry Genetics
Classification: Uncertain significance for Hereditary cancer-predisposing syndrome. Last evaluated: 2024-10-17. Review status: criteria provided, single submitter. Criteria: Ambry Variant Classification Scheme 2023. Collection method: clinical testing. Allele origin: germline.

NM_000268.4(NF2):c.1301A>G (p.Glu434Gly)

Gene: NF2 (NF2, moesin-ezrin-radixin like (MERLIN) tumor suppressor; plus strand). Cytogenetic location: 22q12.2.
Variant type: single nucleotide variant.
Coding change: c.1301A>G on transcript NM_000268.4 (MANE Select); coding-DNA position 1301, A replaced by G.
Protein change: p.Glu434Gly; replaces glutamic acid 434 with glycine.
Molecular consequence: missense variant. On other transcripts: non-coding transcript variant (1), intron variant (1).
Genome position (GRCh38, 1-based): chr22:29,673,447, A>G. VCF-style: chr22-29673447-A-G. GRCh37 (hg19) VCF-style: chr22-30069436-A-G.
Other names: c.1301A>G, p.Glu434Gly (NM_016418.5, NM_181825.3, NM_181832.3); c.1175A>G, p.Glu392Gly (NM_181828.3); c.1178A>G, p.Glu393Gly (NM_181829.3); c.1052A>G, p.Glu351Gly (NM_181830.3, NM_181831.3); c.448-21305A>G (NM_181833.3); short protein forms E434G, E351G, E392G, E393G.
Identifiers: ClinVar variation 646364 (VCV000646364.10), dbSNP rs1601648832, ClinGen allele CA411148585.